The following is an entry in ClinVar:

ClinVar aggregate classification (germline): Uncertain significance (1 of 4 stars; one submission).

Conditions:
Hereditary spastic paraplegia 30. Identifiers: Orphanet 101010, MedGen C5235139, MONDO:0012476.
Neuropathy, hereditary sensory, type 2C. Also called: KIF1A-Related HSAN2 (HSAN2C); Hereditary sensory and autonomic neuropathy type IIC. Identifiers: Orphanet 970, MedGen C3280168, MONDO:0013634, OMIM 614213.
Intellectual disability, autosomal dominant 9 (NESCAVS). Also called: KIF1A-Related Neurodevelopmental Disorder; NESCAV SYNDROME. Identifiers: Orphanet 662367, MedGen C5393830, MONDO:0013656, OMIM 614255.

Submission:

Labcorp Genetics (formerly Invitae), Labcorp
Classification: Uncertain significance for Hereditary spastic paraplegia 30; Neuropathy, hereditary sensory, type 2C; Intellectual disability, autosomal dominant 9. Last evaluated: 2021-07-28. Review status: criteria provided, single submitter. Criteria: Invitae Variant Classification Sherloc (09022015). Collection method: clinical testing. Allele origin: germline.
Comment: This sequence change replaces serine with asparagine at codon 1427 of the KIF1A protein (p.Ser1427Asn). The serine residue is moderately conserved and there is a small physicochemical difference between serine and asparagine. This variant is not present in population databases (ExAC no frequency). This variant has not been reported in the literature in individuals affected with KIF1A-related conditions. Advanced modeling of protein sequence and biophysical properties (such as structural, functional, and spatial information, amino acid conservation, physicochemical variation, residue mobility, and thermodynamic stability) performed at Invitae indicates that this missense variant is not expected to disrupt KIF1A protein function. In summary, the available evidence is currently insufficient to determine the role of this variant in disease. Therefore, it has been classified as a Variant of Uncertain Significance.

NM_001244008.2(KIF1A):c.4583G>A (p.Ser1528Asn)

Gene: KIF1A (kinesin family member 1A; minus strand). Cytogenetic location: 2q37.3.
Variant type: single nucleotide variant.
Coding change: c.4583G>A on transcript NM_001244008.2 (MANE Select); coding-DNA position 4583, G replaced by A.
Protein change: p.Ser1528Asn; replaces serine 1528 with asparagine.
Molecular consequence: missense variant.
Genome position (GRCh38, 1-based): chr2:240,722,538, C>T on the plus strand (G>A on the coding strand, the complement: KIF1A is on the minus strand). VCF-style: chr2-240722538-C-T. GRCh37 (hg19) VCF-style: chr2-241661955-C-T.
Other names: c.4307G>A, p.Ser1436Asn (NM_001320705.2, NM_001379649.1); c.4334G>A, p.Ser1445Asn (NM_001330289.2); c.4382G>A, p.Ser1461Asn (NM_001330290.2, NM_001379648.1); c.4658G>A, p.Ser1553Asn (NM_001379631.1); c.4559G>A, p.Ser1520Asn (NM_001379632.1); c.4556G>A, p.Ser1519Asn (NM_001379633.1, NM_001379645.1); c.4409G>A, p.Ser1470Asn (NM_001379634.1); c.4406G>A, p.Ser1469Asn (NM_001379635.1, NM_001379646.1); and 7 more; short protein forms S1436N, S1519N, S1528N, S1427N, S1435N, S1444N, S1461N, S1469N.
Identifiers: ClinVar variation 1467771 (VCV001467771.6), dbSNP rs2125597894, ClinGen allele CA351303966.